The following is an entry in ClinVar:

NM_016628.5(WAC):c.1473dup (p.Gln492fs)

Gene: WAC (WW domain containing adaptor with coiled-coil; plus strand). Cytogenetic location: 10p12.1.
Variant type: Duplication.
Coding change: c.1473dup on transcript NM_016628.5 (MANE Select); coding-DNA position 1473, one base duplicated (A; older notation c.1473dupA).
Protein change: p.Gln492fs; shifts the reading frame from glutamine 492.
Molecular consequence: frameshift variant.
Genome position (GRCh38, 1-based): chr10:28,614,602, A duplicated. VCF-style (leftmost placement, unchanged base first): chr10-28614601-C-CA. GRCh37 (hg19) VCF-style: chr10-28903530-C-CA.
Other names: c.1338dup, p.Gln447fs (NM_100264.3); c.1164dup, p.Gln389fs (NM_100486.4); short protein forms Q389fs, Q447fs, Q492fs.
Identifiers: ClinVar variation 4294061 (VCV004294061.1).
Genomic context (GRCh38, chr10:28,614,601, plus strand): 5'-CATCTCACCAGATTTTGACATTTCAGGTTAGTACTCCAGTAGTTAAGCAAGGACCAGTGT[C>CA]ACAGTCAGCCACACAGCAGCCTGTAACTGCTGACAAGCAGCAAGGTCATGAACCTGTCTC-3'

ClinVar aggregate classification (germline): Pathogenic (1 of 4 stars; one submission).

Conditions:
DeSanto-Shinawi syndrome due to WAC point mutation (DESSH). Also called: Facial dysmorphism-developmental delay-behavioral abnormalities syndrome due to WAC point mutation; WAC-Related Intellectual Disability; DEVELOPMENTAL DELAY, BEHAVIORAL ABNORMALITIES, FACIAL DYSMORPHISM, AND OCULAR ABNORMALITIES. Identifiers: Orphanet 284169, Orphanet 466950, MedGen C5681129, MONDO:0014741, OMIM 616708.

Submission:

3billion
Classification: Pathogenic for DeSanto-Shinawi syndrome due to WAC point mutation. Last evaluated: 2024-11-26. Review status: criteria provided, single submitter. Criteria: ACMG Guidelines, 2015. Collection method: clinical testing. Allele origin: germline. Affected: yes.
Comment: The variant is not observed in the gnomAD v4.1.0 dataset. Predicted Consequence/Location: Frameshift: predicted to result in a loss or disruption of normal protein function through nonsense-mediated decay (NMD) or protein truncation. Multiple pathogenic variants are reported downstream of the variant. The variant has been previously reported as de novo in a similarly affected individual (PMID: 33387902). The variant has been reported to be associated with WAC related disorder (PMID: 33387902). Therefore, this variant is classified as Pathogenic according to the recommendation of ACMG/AMP guideline.

Literature cited by the submitters: PubMed 33387902.